The following is an entry in ClinVar:

NM_000238.4(KCNH2):c.678del (p.Ala228fs)

Gene: KCNH2 (potassium voltage-gated channel subfamily H member 2; minus strand). Cytogenetic location: 7q36.1.
Variant type: Deletion.
Coding change: c.678del on transcript NM_000238.4 (MANE Select); coding-DNA position 678, one base deleted (G; older notation c.678delG).
Protein change: p.Ala228fs; shifts the reading frame from alanine 228.
Molecular consequence: frameshift variant.
Genome position (GRCh38, 1-based): chr7:150,958,297, C deleted on the plus strand (G on the coding strand, the reverse complement: KCNH2 is on the minus strand); the first of 3 consecutive C bases (chr7:150,958,297-150,958,299); deleting any one gives the same sequence. VCF-style (leftmost placement, unchanged base first): chr7-150958296-GC-G. GRCh37 (hg19) VCF-style: chr7-150655384-GC-G.
Other names: c.388delG, p.Ala132Argfs (NM_001406753.1, NM_001406756.1); c.499delG, p.Ala169Argfs (NM_001406755.1); c.376delG, p.Ala128Argfs (NM_001406757.1); c.676delG, p.Ala228Argfs (NM_172056.3); c.678del (NM_000238.2); c.678delG (NM_000238.3, NM_000238.2); short protein forms A228fs.
Identifiers: ClinVar variation 200783 (VCV000200783.12), dbSNP rs794728496, ClinGen allele CA008674.
Genomic context (GRCh38, chr7:150,958,296, plus strand): 5'-GGCCGGGCGCGCTGCGGGGCGGAGAGCCGGGACCCACCAGCGCACGCCGCTCCTCCGCGG[GC>G]CCGAGCCCTGCCACGTGGTTGTCCATGGCTGTCACTTCGTCCAGGGCCAGCGACTCGCTG-3'

ClinVar aggregate classification (germline): Pathogenic. Review status: criteria provided, multiple submitters, no conflicts (2 of 4 stars). 3 submissions from 3 submitters: Pathogenic (3). Last evaluated 2025-11-05.

Conditions:
Long QT syndrome (LQTS). Identifiers: MedGen C0023976, MeSH D008133, MONDO:0002442. Disease mechanism: loss of function. Inheritance: Various modes of inheritance.
Long QT syndrome 2 (LQT2). Identifiers: Orphanet 101016, Orphanet 768, MedGen C3150943, MONDO:0013367, OMIM 613688.

Submissions (3):

GeneDx
Classification: Pathogenic. Last evaluated: 2025-11-05. Review status: criteria provided, single submitter. Criteria: GeneDx Variant Classification Process June 2021. Collection method: clinical testing. Allele origin: germline. Affected: yes.
Comment: Frameshift variant predicted to result in protein truncation or nonsense mediated decay in a gene for which loss of function is a known mechanism of disease; Reported in an individual with a suspected arrhythmogenic disorder or cardiomyopathy (PMID: 31737537); Not observed at significant frequency in large population cohorts (gnomAD); This variant is associated with the following publications: (PMID: 31737537)

Labcorp Genetics (formerly Invitae), Labcorp
Classification: Pathogenic for Long QT syndrome. Last evaluated: 2020-08-14. Review status: criteria provided, single submitter. Criteria: Invitae Variant Classification Sherloc (09022015). Collection method: clinical testing. Allele origin: germline.
Comment: For these reasons, this variant has been classified as Pathogenic. Loss-of-function variants in KCNH2 are known to be pathogenic (PMID: 10973849, 19862833). This variant has not been reported in the literature in individuals with KCNH2-related conditions. ClinVar contains an entry for this variant (Variation ID: 200783). The frequency data for this variant in the population databases is considered unreliable, as metrics indicate insufficient coverage at this position in the ExAC database. This sequence change creates a premature translational stop signal (p.Ala228Argfs*132) in the KCNH2 gene. It is expected to result in an absent or disrupted protein product.

MVZ Martinsried, Medicover Genetics
Classification: Pathogenic for Long QT syndrome 2. Last evaluated: 2017-11-14. Review status: criteria provided, single submitter. Criteria: ACMG Guidelines, 2015. Collection method: clinical testing. Allele origin: unknown. Affected: yes.

Literature cited by the submitters: PubMed 10973849 (cited by Labcorp Genetics (formerly Invitae), Labcorp); PubMed 19862833 (cited by Labcorp Genetics (formerly Invitae), Labcorp).